The following is an entry in ClinVar:

NM_003742.4(ABCB11):c.3274G>A (p.Asp1092Asn)

Gene: ABCB11 (ATP binding cassette subfamily B member 11; minus strand). Cytogenetic location: 2q31.1.
Variant type: single nucleotide variant.
Coding change: c.3274G>A on transcript NM_003742.4 (MANE Select); coding-DNA position 3274, G replaced by A.
Protein change: p.Asp1092Asn; replaces aspartic acid 1092 with asparagine.
Molecular consequence: missense variant.
Genome position (GRCh38, 1-based): chr2:168,930,802, C>T on the plus strand (G>A on the coding strand, the complement: ABCB11 is on the minus strand). VCF-style: chr2-168930802-C-T. GRCh37 (hg19) VCF-style: chr2-169787312-C-T.
Other names: short protein forms D1092N.
Identifiers: ClinVar variation 3031165 (VCV003031165.2), dbSNP rs1180718054, ClinGen allele CA349121745.

ClinVar aggregate classification (germline): Uncertain significance (0 of 4 stars; one submission).

Conditions:
ABCB11-related disorder. Also called: ABCB11-related condition.

Allele frequency attached by ClinVar (database versions not stated): TOPMed 0.00001; gnomAD 0.00002.
gnomAD v4.1: 3 of 1,613,024 alleles (0.00019%); highest among the groups gnomAD compares: Admixed American, 0.005%; no homozygotes.

Submission:

PreventionGenetics, part of Exact Sciences
Classification: Uncertain significance for ABCB11-related condition. Last evaluated: 2023-11-29. Review status: no assertion criteria provided. Collection method: clinical testing. Allele origin: germline.
Comment: The ABCB11 c.3274G>A variant is predicted to result in the amino acid substitution p.Asp1092Asn. To our knowledge, this variant has not been reported in the literature. This variant was reported in 1 allele in a subpopulation under-represented in gnomAD 2.1.1, therefore its maximum allele frequency is not reliable. In the more robust gnomAD V4 dataset this variant is reported in 0.02% of alleles in individuals of Admixed American descent. The clinical significance of this variant is uncertain due to the absence of conclusive functional and genetic evidence.